The following is an entry in ClinVar:

ClinVar aggregate classification (germline): Uncertain significance. Review status: criteria provided, multiple submitters, no conflicts (2 of 4 stars). 2 submissions from 2 submitters: Uncertain significance (2). Last evaluated 2022-05-04.

gnomAD v4.1: 3 of 1,614,202 alleles (0.00019%); highest among the groups gnomAD compares: Admixed American, 0.005%; no homozygotes.

Submissions (2):

Blueprint Genetics
Classification: Uncertain significance. Last evaluated: 2022-05-04. Review status: criteria provided, single submitter. Criteria: ACMG Guidelines, 2015. Collection method: clinical testing. Allele origin: germline.

Labcorp Genetics (formerly Invitae), Labcorp
Classification: Uncertain significance. Last evaluated: 2022-04-13. Review status: criteria provided, single submitter. Criteria: Invitae Variant Classification Sherloc (09022015). Collection method: clinical testing. Allele origin: germline.
Comment: This sequence change replaces glycine, which is neutral and non-polar, with arginine, which is basic and polar, at codon 116 of the AFG3L2 protein (p.Gly116Arg). This variant is present in population databases (no rsID available, gnomAD 0.006%). In summary, the available evidence is currently insufficient to determine the role of this variant in disease. Therefore, it has been classified as a Variant of Uncertain Significance. Experimental studies have shown that this missense change affects AFG3L2 function (PMID: 25927548). Advanced modeling of protein sequence and biophysical properties (such as structural, functional, and spatial information, amino acid conservation, physicochemical variation, residue mobility, and thermodynamic stability) performed at Invitae indicates that this missense variant is not expected to disrupt AFG3L2 protein function. This missense change has been observed in individual(s) with clinical features of spinocerebellar ataxia (PMID: 25927548).

Literature cited by the submitters: PubMed 25927548 (cited by Labcorp Genetics (formerly Invitae), Labcorp).

NM_006796.3(AFG3L2):c.346G>C (p.Gly116Arg)

Gene: AFG3L2 (AFG3 like matrix AAA peptidase subunit 2; minus strand). Cytogenetic location: 18p11.21.
Variant type: single nucleotide variant.
Coding change: c.346G>C on transcript NM_006796.3 (MANE Select); coding-DNA position 346, G replaced by C.
Protein change: p.Gly116Arg; replaces glycine 116 with arginine.
Molecular consequence: missense variant.
Genome position (GRCh38, 1-based): chr18:12,367,329, C>G on the plus strand (G>C on the coding strand, the complement: AFG3L2 is on the minus strand). VCF-style: chr18-12367329-C-G. GRCh37 (hg19) VCF-style: chr18-12367328-C-G.
Other names: short protein forms G116R.
Identifiers: ClinVar variation 2171737 (VCV002171737.5), dbSNP rs1178773058, ClinGen allele CA401954914.